The following is an entry in ClinVar:

ClinVar aggregate classification (germline): Uncertain significance (1 of 4 stars; one submission).

Conditions:
Neurofibromatosis, type 1 (NF1). Also called: Neurofibromatosis, type I; NEUROFIBROMATOSIS, TYPE I, SOMATIC; Peripheral type neurofibromatosis; VON RECKLINGHAUSEN DISEASE. Identifiers: Orphanet 636, MedGen C0027831, MONDO:0018975, OMIM 162200. Disease mechanism: loss of function.

Submission:

Labcorp Genetics (formerly Invitae), Labcorp
Classification: Uncertain significance for Neurofibromatosis, type 1. Last evaluated: 2025-08-11. Review status: criteria provided, single submitter. Criteria: Invitae Variant Classification Sherloc (09022015). Collection method: clinical testing. Allele origin: germline.
Comment: This sequence change replaces glutamic acid, which is acidic and polar, with alanine, which is neutral and non-polar, at codon 544 of the NF1 protein (p.Glu544Ala). This variant is not present in population databases (gnomAD no frequency). This variant has not been reported in the literature in individuals affected with NF1-related conditions. ClinVar contains an entry for this variant (Variation ID: 2039942). Invitae Evidence Modeling of protein sequence and biophysical properties (such as structural, functional, and spatial information, amino acid conservation, physicochemical variation, residue mobility, and thermodynamic stability) indicates that this missense variant is expected to disrupt NF1 protein function with a positive predictive value of 95%. In summary, the available evidence is currently insufficient to determine the role of this variant in disease. Therefore, it has been classified as a Variant of Uncertain Significance.

NM_001042492.3(NF1):c.1631A>C (p.Glu544Ala)

Gene: NF1 (neurofibromin 1; plus strand). Cytogenetic location: 17q11.2.
Variant type: single nucleotide variant.
Coding change: c.1631A>C on transcript NM_001042492.3 (MANE Select); coding-DNA position 1631, A replaced by C.
Protein change: p.Glu544Ala; replaces glutamic acid 544 with alanine.
Molecular consequence: missense variant.
Genome position (GRCh38, 1-based): chr17:31,219,108, A>C. VCF-style: chr17-31219108-A-C. GRCh37 (hg19) VCF-style: chr17-29546126-A-C.
Other names: c.1631A>C, p.Glu544Ala (NM_000267.4, NM_001128147.3); short protein forms E544A.
Identifiers: ClinVar variation 2039942 (VCV002039942.4), dbSNP rs2544840966, ClinGen allele CA399002128.